The following is an entry in ClinVar:

NM_001170629.2(CHD8):c.6473G>A (p.Arg2158His)

Gene: CHD8 (chromodomain helicase DNA binding protein 8; minus strand). Cytogenetic location: 14q11.2.
Variant type: single nucleotide variant.
Coding change: c.6473G>A on transcript NM_001170629.2 (MANE Select); coding-DNA position 6473, G replaced by A.
Protein change: p.Arg2158His; replaces arginine 2158 with histidine.
Molecular consequence: missense variant.
Genome position (GRCh38, 1-based): chr14:21,392,805, C>T on the plus strand (G>A on the coding strand, the complement: CHD8 is on the minus strand). VCF-style: chr14-21392805-C-T. GRCh37 (hg19) VCF-style: chr14-21860964-C-T.
Other names: c.5636G>A, p.Arg1879His (NM_020920.4); short protein forms R1879H, R2158H.
Identifiers: ClinVar variation 497700 (VCV000497700.28), dbSNP rs745375504, ClinGen allele CA7090767.

ClinVar aggregate classification (germline): Conflicting classifications of pathogenicity. Review status: criteria provided, conflicting classifications (1 of 4 stars). 5 submissions from 5 submitters: Uncertain significance (1); Benign (1); Likely benign (2). 1 of the submissions does not count toward it. Last evaluated 2025-03-17.

Conditions:
Inborn genetic diseases. Identifiers: MedGen C0950123, MeSH D030342.
CHD8-related disorder. Also called: CHD8-related disorders; CHD8-related condition.

Allele frequency attached by ClinVar (database versions not stated): gnomAD 0.00006; TOPMed 0.00013; ExAC 0.00017; gnomAD exomes 0.00017.
gnomAD v4.1: 101 of 1,613,166 alleles (0.0063%); highest among the groups gnomAD compares: East Asian, 0.12%; no homozygotes.

Submissions (5):

Labcorp Genetics (formerly Invitae), Labcorp
Classification: Likely benign. Last evaluated: 2025-03-17. Review status: criteria provided, single submitter. Criteria: Invitae Variant Classification Sherloc (09022015). Collection method: clinical testing. Allele origin: germline.

CeGaT Center for Human Genetics Tuebingen
Classification: Likely benign. Last evaluated: 2025-01-01. Review status: criteria provided, single submitter. Criteria: CeGaT Center For Human Genetics Tuebingen Variant Classification Criteria Version 2. Collection method: clinical testing. Allele origin: germline. Affected: yes. Observed: 1 variant allele.
Comment: CHD8: PP2, PP3, BS1

Ambry Genetics
Classification: Benign for Inborn genetic diseases. Last evaluated: 2019-06-11. Review status: criteria provided, single submitter. Criteria: Ambry Variant Classification Scheme 2023. Collection method: clinical testing. Allele origin: germline.

Eurofins Ntd Llc (ga)
Classification: Uncertain significance. Last evaluated: 2016-11-15. Review status: criteria provided, single submitter. Criteria: EGL Classification Definitions 2015. Collection method: clinical testing. Allele origin: germline. Observed: 1 variant allele, 1 heterozygote.

PreventionGenetics, part of Exact Sciences
Classification: Likely benign for CHD8-related condition. Last evaluated: 2021-10-19. Review status: no assertion criteria provided. Collection method: clinical testing. Allele origin: germline. Not counted in ClinVar's aggregate classification.
Comment: This variant is classified as likely benign based on ACMG/AMP sequence variant interpretation guidelines (Richards et al. 2015 PMID: 25741868, with internal and published modifications).

Literature cited by the submitters: PubMed 26789910 (cited by Ambry Genetics).